The following continues an entry in ClinVar:

NM_020975.6(RET):c.166C>A (p.Leu56Met)

Gene: RET. ClinVar aggregate classification (germline): Conflicting classifications of pathogenicity. Uncertain significance (1); Benign (14); Likely benign (11).

Submissions 21 to 34 of 34:

Illumina Laboratory Services, Illumina
Classification: Likely benign for Hirschsprung disease, susceptibility to, 1. Last evaluated: 2017-04-27. Review status: criteria provided, single submitter. Criteria: ICSL Variant Classification Criteria 13 December 2019. Collection method: clinical testing. Allele origin: germline.
Comment: This variant was observed as part of a predisposition screen in an ostensibly healthy population. A literature search was performed for the gene, cDNA change, and amino acid change (where applicable). No publications were found based on this search. Allele frequency data from public databases allowed determination this variant is unlikely to cause disease. Therefore, this variant is classified as likely benign.

PreventionGenetics, part of Exact Sciences
Classification: Benign. Last evaluated: 2016-10-10. Review status: criteria provided, single submitter. Criteria: ACMG Guidelines, 2015. Collection method: clinical testing. Allele origin: germline.

Laboratory for Molecular Medicine, Mass General Brigham Personalized Medicine
Classification: Likely benign. Last evaluated: 2016-04-20. Review status: criteria provided, single submitter. Criteria: LMM Criteria. Collection method: clinical testing. Allele origin: germline. Observed: 1 variant allele.
Comment: p.Leu56Met in exon 2 of RET: This variant is not expected to have clinical signi ficance because it has been identified in 0.4% (271/66206) of European chromosom es, including 1 homozygote by the Exome Aggregation Consortium (ExAC; dbSNP rs145633958).

Genomic Diagnostic Laboratory, Division of Genomic Diagnostics, Children's Hospital of Philadelphia
Classification: Benign for Multiple endocrine neoplasia. Last evaluated: 2015-06-25. Review status: criteria provided, single submitter. Criteria: DGD Variant Analysis Guidelines. Collection method: clinical testing. Allele origin: unknown.

Ambry Genetics
Classification: Benign for Hereditary cancer-predisposing syndrome. Last evaluated: 2015-01-27. Review status: criteria provided, single submitter. Criteria: Ambry Variant Classification Scheme 2023. Collection method: clinical testing. Allele origin: germline.

Eurofins Ntd Llc (ga)
Classification: Benign. Last evaluated: 2014-06-19. Review status: criteria provided, single submitter. Criteria: EGL Classification Definitions 2015. Collection method: clinical testing. Allele origin: germline. Observed: 3 variant alleles, 3 heterozygotes.

CSER _CC_NCGL, University of Washington
Classification: Likely benign for Hirschsprung disease. Last evaluated: 2014-06-01. Review status: no assertion criteria provided. Collection method: research. Allele origin: germline. Inheritance: Autosomal dominant inheritance. Study: ESP 6500 variant annotation. Not counted in ClinVar's aggregate classification.
Comment: Variants classified for the Actionable exomic incidental findings in 6503 participants: challenges of variant classification manuscript

ITMI
No classification provided. Condition: AllHighlyPenetrant. Last evaluated: 2013-09-19. Review status: no classification provided. Collection method: reference population. Allele origin: germline. Not counted in ClinVar's aggregate classification.
Comment: Please see associated publication for description of ethnicities

Biesecker Lab/Clinical Genomics Section, National Institutes of Health
Classification: Benign. Last evaluated: 2012-07-13. Review status: no assertion criteria provided. Collection method: research. Allele origin: germline. Affected: no. Observed: 6 variant alleles. Study: ClinSeq. Not counted in ClinVar's aggregate classification.
ClinVar note: Converted during submission from no known pathogenicity to Benign.

Women's Health and Genetics/Laboratory Corporation of America, LabCorp
Classification: Benign for Multiple endocrine neoplasia, type 2a. Last evaluated: 2012-03-13. Review status: no assertion criteria provided. Collection method: clinical testing. Allele origin: germline. Not counted in ClinVar's aggregate classification.

Diagnostic Laboratory, Department of Genetics, University Medical Center Groningen
Classification: Likely benign. Review status: no assertion criteria provided. Collection method: clinical testing. Allele origin: germline. Affected: yes. Study: VKGL Data-share Consensus. Not counted in ClinVar's aggregate classification.

Genome Diagnostics Laboratory, Amsterdam University Medical Center
Classification: Benign. Review status: no assertion criteria provided. Collection method: clinical testing. Allele origin: germline. Affected: yes. Study: VKGL Data-share Consensus. Not counted in ClinVar's aggregate classification.

Joint Genome Diagnostic Labs from Nijmegen and Maastricht, Radboudumc and MUMC+
Classification: Benign. Review status: no assertion criteria provided. Collection method: clinical testing. Allele origin: germline. Affected: yes. Study: VKGL Data-share Consensus. Not counted in ClinVar's aggregate classification.

Laboratory of Diagnostic Genome Analysis, Leiden University Medical Center (LUMC)
Classification: Likely benign. Review status: no assertion criteria provided. Collection method: clinical testing. Allele origin: germline. Affected: yes. Study: VKGL Data-share Consensus. Not counted in ClinVar's aggregate classification.

Literature cited by the submitters: PubMed 24442913 (cited by Quest Diagnostics Nichols Institute San Juan Capistrano); PubMed 26883533 (cited by Quest Diagnostics Nichols Institute San Juan Capistrano); PubMed 10790203 (cited by 3 submitters); PubMed 25637381 (cited by Quest Diagnostics Nichols Institute San Juan Capistrano); PubMed 22995991 (cited by Quest Diagnostics Nichols Institute San Juan Capistrano and Ambry Genetics); PubMed 24728327 (cited by 3 submitters); PubMed 24055113 (cited by Quest Diagnostics Nichols Institute San Juan Capistrano and Ambry Genetics); PubMed 21490379 (cited by 3 submitters); PubMed 25569433 (cited by Quest Diagnostics Nichols Institute San Juan Capistrano); PubMed 20473317 (cited by 3 submitters); PubMed 26332594 (cited by Quest Diagnostics Nichols Institute San Juan Capistrano); PubMed 27153395 (cited by Quest Diagnostics Nichols Institute San Juan Capistrano); PubMed 34925234 (cited by Quest Diagnostics Nichols Institute San Juan Capistrano); PubMed 22648184 (cited by Laboratory for Molecular Medicine, Mass General Brigham Personalized Medicine).